The following is an entry in ClinVar:

NM_002941.4(ROBO1):c.293C>T (p.Thr98Ile)

Gene: ROBO1 (roundabout guidance receptor 1; minus strand). Cytogenetic location: 3p12.3.
Variant type: single nucleotide variant.
Coding change: c.293C>T on transcript NM_002941.4 (MANE Select); coding-DNA position 293, C replaced by T.
Protein change: p.Thr98Ile; replaces threonine 98 with isoleucine.
Molecular consequence: missense variant.
Genome position (GRCh38, 1-based): chr3:78,938,807, G>A on the plus strand (C>T on the coding strand, the complement: ROBO1 is on the minus strand). VCF-style: chr3-78938807-G-A. GRCh37 (hg19) VCF-style: chr3-78987957-G-A.
Other names: c.176C>T, p.Thr59Ile (NM_001145844.1, NM_001145845.2, NM_133631.4); short protein forms T59I, T98I.
Identifiers: ClinVar variation 2015961 (VCV002015961.4), dbSNP rs2546356136, ClinGen allele CA353682006.

ClinVar aggregate classification (germline): Uncertain significance (1 of 4 stars; one submission).

Submission:

Labcorp Genetics (formerly Invitae), Labcorp
Classification: Uncertain significance. Last evaluated: 2022-07-14. Review status: criteria provided, single submitter. Criteria: Invitae Variant Classification Sherloc (09022015). Collection method: clinical testing. Allele origin: germline.
Comment: In summary, the available evidence is currently insufficient to determine the role of this variant in disease. Therefore, it has been classified as a Variant of Uncertain Significance. This sequence change replaces threonine, which is neutral and polar, with isoleucine, which is neutral and non-polar, at codon 98 of the ROBO1 protein (p.Thr98Ile). This variant is not present in population databases (gnomAD no frequency). This variant has not been reported in the literature in individuals affected with ROBO1-related conditions. Advanced modeling of protein sequence and biophysical properties (such as structural, functional, and spatial information, amino acid conservation, physicochemical variation, residue mobility, and thermodynamic stability) performed at Invitae indicates that this missense variant is not expected to disrupt ROBO1 protein function.